The following is an entry in ClinVar:

NM_000179.3(MSH6):c.2375T>G (p.Leu792Arg)

Gene: MSH6 (mutS homolog 6; plus strand). Cytogenetic location: 2p16.3.
Variant type: single nucleotide variant.
Coding change: c.2375T>G on transcript NM_000179.3 (MANE Select); coding-DNA position 2375, T replaced by G.
Protein change: p.Leu792Arg; replaces leucine 792 with arginine.
Molecular consequence: missense variant.
Genome position (GRCh38, 1-based): chr2:47,800,358, T>G. VCF-style: chr2-47800358-T-G. GRCh37 (hg19) VCF-style: chr2-48027497-T-G.
Other names: c.1985T>G, p.Leu662Arg (NM_001281492.2); c.1469T>G, p.Leu490Arg (NM_001281493.2, NM_001281494.2, NM_001406811.1 and 6 more transcripts); c.2471T>G, p.Leu824Arg (NM_001406795.1, NM_001406802.1); c.2375T>G, p.Leu792Arg (NM_001406796.1, NM_001406798.1, NM_001406800.1 and 2 more transcripts); c.2078T>G, p.Leu693Arg (NM_001406797.1, NM_001406801.1, NM_001406805.1 and 10 more transcripts); c.1850T>G, p.Leu617Arg (NM_001406799.1, NM_001406806.1, NM_001406807.1); c.2297T>G, p.Leu766Arg (NM_001406804.1); c.2381T>G, p.Leu794Arg (NM_001406813.1); and 1 more; short protein forms L490R, L617R, L662R, L693R, L736R, L766R, L792R, L794R.
Identifiers: ClinVar variation 1719721 (VCV001719721.6), dbSNP rs587779236, ClinGen allele CA346753714.

ClinVar aggregate classification (germline): Uncertain significance (1 of 4 stars; one submission).

Conditions:
Hereditary nonpolyposis colorectal neoplasms. Identifiers: MedGen C0009405, MeSH D003123.

Submission:

Labcorp Genetics (formerly Invitae), Labcorp
Classification: Uncertain significance for Hereditary nonpolyposis colorectal neoplasms. Last evaluated: 2022-07-14. Review status: criteria provided, single submitter. Criteria: Invitae Variant Classification Sherloc (09022015). Collection method: clinical testing. Allele origin: germline.
Comment: In summary, the available evidence is currently insufficient to determine the role of this variant in disease. Therefore, it has been classified as a Variant of Uncertain Significance. Advanced modeling of protein sequence and biophysical properties (such as structural, functional, and spatial information, amino acid conservation, physicochemical variation, residue mobility, and thermodynamic stability) performed at Invitae indicates that this missense variant is expected to disrupt MSH6 protein function. This variant has not been reported in the literature in individuals affected with MSH6-related conditions. This variant is not present in population databases (gnomAD no frequency). This sequence change replaces leucine, which is neutral and non-polar, with arginine, which is basic and polar, at codon 792 of the MSH6 protein (p.Leu792Arg).